The following is an entry in ClinVar:

NC_000005.9:g.(?_89938453)_(89949769_?)dup

Gene: ADGRV1 (adhesion G protein-coupled receptor V1; plus strand). Cytogenetic location: 5q14.3.
Variant type: Duplication.
Identifiers: ClinVar variation 1066777 (VCV001066777.6).

ClinVar aggregate classification (germline): Likely pathogenic (1 of 4 stars; one submission).

Submission:

Labcorp Genetics (formerly Invitae), Labcorp
Classification: Likely pathogenic. Last evaluated: 2021-08-04. Review status: criteria provided, single submitter. Criteria: Invitae Variant Classification Sherloc (09022015). Collection method: clinical testing. Allele origin: germline.
Comment: This variant results in a copy number gain of the genomic region encompassing exon(s) 12-20 of the ADGRV1 gene. While the exact position of this variant cannot be determined from the data, sub-genic copy number gains are generally in tandem (PMID: 25640679). This variant is predicted to be out-of-frame, and may result in an absent or disrupted protein product. Loss-of-function variants in ADGRV1 are known to be pathogenic (PMID: 19357117, 22135276, 22147658, 26226137, 26667666, 30029497, 32467589). A similar copy number variant has been observed in individual(s) with clinical features of Usher syndrome (Invitae). In summary, the currently available evidence indicates that the variant is pathogenic, but additional data are needed to prove that conclusively. Therefore, this variant has been classified as Likely Pathogenic.

Literature cited by the submitters: PubMed 25640679; PubMed 19357117; PubMed 22135276; PubMed 22147658; PubMed 26226137; PubMed 26667666; PubMed 30029497; PubMed 32467589.